The following is an entry in ClinVar:

NM_001365951.3(KIF1B):c.2135A>G (p.Gln712Arg)

Gene: KIF1B (kinesin family member 1B; plus strand). Cytogenetic location: 1p36.22.
Variant type: single nucleotide variant.
Coding change: c.2135A>G on transcript NM_001365951.3 (MANE Select); coding-DNA position 2135, A replaced by G.
Protein change: p.Gln712Arg; replaces glutamine 712 with arginine.
Molecular consequence: missense variant.
Genome position (GRCh38, 1-based): chr1:10,320,062, A>G. VCF-style: chr1-10320062-A-G. GRCh37 (hg19) VCF-style: chr1-10380120-A-G.
Other names: c.2135A>G, p.Gln712Arg (NM_001365952.1); c.1997A>G, p.Gln666Arg (NM_015074.3); short protein forms Q666R, Q712R.
Identifiers: ClinVar variation 1784069 (VCV001784069.2), dbSNP rs2521594275, ClinGen allele CA338332272.

ClinVar aggregate classification (germline): Uncertain significance (1 of 4 stars; one submission).

Submission:

Ambry Genetics
Classification: Uncertain significance. Last evaluated: 2022-04-26. Review status: criteria provided, single submitter. Criteria: Ambry Variant Classification Scheme 2023. Collection method: clinical testing. Allele origin: germline.
Comment: The p.Q666R variant (also known as c.1997A>G), located in coding exon 20 of the KIF1B gene, results from an A to G substitution at nucleotide position 1997. The glutamine at codon 666 is replaced by arginine, an amino acid with highly similar properties. This amino acid position is conserved. In addition, the in silico prediction for this alteration is inconclusive. Since supporting evidence is limited at this time, the clinical significance of this alteration remains unclear.